The following is an entry in ClinVar:

ClinVar aggregate classification (germline): Uncertain significance. Review status: criteria provided, multiple submitters, no conflicts (2 of 4 stars). 4 submissions from 4 submitters: Uncertain significance (4). Last evaluated 2025-11-19.

Conditions:
Autosomal recessive nonsyndromic hearing loss 97. Also called: Deafness, autosomal recessive 97. Identifiers: Orphanet 90636, MedGen C4084709, MONDO:0014739, OMIM 616705.
MET-related disorder. Also called: MET-related condition.
Renal cell carcinoma. Identifiers: Orphanet 217071, MedGen C0007134, MeSH D002292, MONDO:0005086, HP:0005584.
Hereditary cancer-predisposing syndrome. Also called: Tumor predisposition; Hereditary neoplastic syndrome; Hereditary Cancer Syndrome; Neoplastic Syndromes, Hereditary. Identifiers: Orphanet 140162, MedGen C0027672, MeSH D009386, MONDO:0015356.

Allele frequency attached by ClinVar (database versions not stated): gnomAD exomes 0.00001; ExAC 0.00002; gnomAD 0.00002; TOPMed 0.00002; ESP Exome Variant Server 0.00017.
gnomAD v4.1: 6 of 1,613,668 alleles (0.00037%); highest among the groups gnomAD compares: Admixed American, 0.0017%; no homozygotes.

Submissions (4):

PreventionGenetics, part of Exact Sciences
Classification: Uncertain significance for MET-related condition. Last evaluated: 2025-11-19. Review status: criteria provided, single submitter. Criteria: ACMG Guidelines, 2015. Collection method: clinical testing. Allele origin: germline.
Comment: The MET c.2431C>T variant is predicted to result in the amino acid substitution p.Arg811Cys. To our knowledge, this variant has not been reported in the literature. This variant is reported in 0.0023% of alleles in individuals of European (Non-Finnish) descent in gnomAD. This variant is interpreted as uncertain in ClinVar (Variation ID: 660490). At this time, the clinical significance of this variant is uncertain due to the absence of conclusive functional and genetic evidence.

Labcorp Genetics (formerly Invitae), Labcorp
Classification: Uncertain significance for Renal cell carcinoma. Last evaluated: 2025-11-10. Review status: criteria provided, single submitter. Criteria: Invitae Variant Classification Sherloc (09022015). Collection method: clinical testing. Allele origin: germline.
Comment: This sequence change replaces arginine, which is basic and polar, with cysteine, which is neutral and slightly polar, at codon 811 of the MET protein (p.Arg811Cys). This variant is present in population databases (rs45440991, gnomAD 0.004%). This variant has not been reported in the literature in individuals affected with MET-related conditions. ClinVar contains an entry for this variant (Variation ID: 660490). Invitae Evidence Modeling of protein sequence and biophysical properties (such as structural, functional, and spatial information, amino acid conservation, physicochemical variation, residue mobility, and thermodynamic stability) has been performed for this missense variant. However, the output from this modeling did not meet the statistical confidence thresholds required to predict the impact of this variant on MET protein function. In summary, the available evidence is currently insufficient to determine the role of this variant in disease. Therefore, it has been classified as a Variant of Uncertain Significance.

Ambry Genetics
Classification: Uncertain significance for Hereditary cancer-predisposing syndrome. Last evaluated: 2025-02-14. Review status: criteria provided, single submitter. Criteria: Ambry Variant Classification Scheme 2023. Collection method: clinical testing. Allele origin: germline.
Comment: The p.R811C variant (also known as c.2431C>T), located in coding exon 10 of the MET gene, results from a C to T substitution at nucleotide position 2431. The arginine at codon 811 is replaced by cysteine, an amino acid with highly dissimilar properties. This amino acid position is highly conserved in available vertebrate species. In addition, this alteration is predicted to be deleterious by in silico analysis. Based on the available evidence, the clinical significance of this alteration remains unclear.

Baylor Genetics
Classification: Uncertain significance for Autosomal recessive nonsyndromic hearing loss 97. Last evaluated: 2024-03-14. Review status: criteria provided, single submitter. Criteria: ACMG Guidelines, 2015. Collection method: clinical testing. Allele origin: unknown.

NM_000245.4(MET):c.2377C>T (p.Arg793Cys)

Gene: MET (MET proto-oncogene, receptor tyrosine kinase; plus strand). Cytogenetic location: 7q31.2.
Variant type: single nucleotide variant.
Coding change: c.2377C>T on transcript NM_000245.4 (MANE Select); coding-DNA position 2377, C replaced by T.
Protein change: p.Arg793Cys; replaces arginine 793 with cysteine.
Molecular consequence: missense variant.
Genome position (GRCh38, 1-based): chr7:116,763,062, C>T. VCF-style: chr7-116763062-C-T. GRCh37 (hg19) VCF-style: chr7-116403116-C-T.
Other names: c.2431C>T, p.Arg811Cys (NM_001127500.3); c.2377C>T, p.Arg793Cys (NM_001324401.3); c.1087C>T, p.Arg363Cys (NM_001324402.2); c.2431C>T (NM_001127500.2); short protein forms R363C, R793C, R811C.
Identifiers: ClinVar variation 660490 (VCV000660490.15), dbSNP rs45440991, ClinGen allele CA4448483.